The following is an entry in ClinVar:

NM_015450.3(POT1):c.554_555delinsCA (p.Asp185Ala)

Gene: POT1 (protection of telomeres 1; minus strand). Cytogenetic location: 7q31.33.
Variant type: Indel.
Coding change: c.554_555delinsCA on transcript NM_015450.3 (MANE Select); coding-DNA positions 554 to 555, AT replaced by CA.
Protein change: p.Asp185Ala; replaces aspartic acid 185 with alanine.
Molecular consequence: missense variant. On other transcripts: non-coding transcript variant (3).
Genome position (GRCh38, 1-based): chr7:124,859,104-124,859,105, AT replaced by TG on the plus strand (AT replaced by CA on the coding strand, the reverse complement: POT1 is on the minus strand). VCF-style: chr7-124859104-AT-TG. GRCh37 (hg19) VCF-style: chr7-124499158-AT-TG.
Other names: c.161_162delinsCA, p.Asp54Ala (NM_001042594.2); short protein forms D54A, D185A.
Identifiers: ClinVar variation 650385 (VCV000650385.8), dbSNP rs1584769974, ClinGen allele CA915945504.

ClinVar aggregate classification (germline): Uncertain significance. Review status: criteria provided, multiple submitters, no conflicts (2 of 4 stars). 2 submissions from 2 submitters: Uncertain significance (2). Last evaluated 2024-07-29.

Conditions:
Tumor predisposition syndrome 3 (TPDS3). Also called: Melanoma, cutaneous malignant, susceptibility to, 10; Glioma susceptibility 9; LONG TELOMERE SYNDROME, POT1-RELATED; POT1 Tumor Predisposition. Identifiers: Orphanet 618, MedGen C4014476, MONDO:0014368, OMIM 615848.

Submissions (2):

Quest Diagnostics Nichols Institute San Juan Capistrano
Classification: Uncertain significance. Last evaluated: 2024-07-29. Review status: criteria provided, single submitter. Criteria: Quest Diagnostics criteria. Collection method: clinical testing. Allele origin: unknown.
Comment: The POT1 c.554_555delinsCA (p.Asp185Ala) variant has not been reported in individuals with POT1-related conditions in the published literature. It also has not been reported in large, multi-ethnic general populations (Genome Aggregation Database). Analysis of this variant using bioinformatics tools for the prediction of the effect of amino acid changes on protein structure and function yielded predictions that this variant is damaging. Based on the available information, we are unable to determine the clinical significance of this variant.

Labcorp Genetics (formerly Invitae), Labcorp
Classification: Uncertain significance for Tumor predisposition syndrome 3. Last evaluated: 2018-12-23. Review status: criteria provided, single submitter. Criteria: Invitae Variant Classification Sherloc (09022015). Collection method: clinical testing. Allele origin: germline.
Comment: This sequence change replaces aspartic acid with alanine at codon 185 of the POT1 protein (p.Asp185Ala). The aspartic acid residue is highly conserved and there is a moderate physicochemical difference between aspartic acid and alanine. This variant is not present in population databases (ExAC no frequency). This variant has not been reported in the literature in individuals with POT1-related conditions. Algorithms developed to predict the effect of missense changes on protein structure and function (SIFT, PolyPhen-2, Align-GVGD) all suggest that this variant is likely to be disruptive, but these predictions have not been confirmed by published functional studies and their clinical significance is uncertain. In summary, the available evidence is currently insufficient to determine the role of this variant in disease. Therefore, it has been classified as a Variant of Uncertain Significance.